The following is an entry in ClinVar:

NM_001165963.4(SCN1A):c.3883T>C (p.Ser1295Pro)

Genes: SCN1A (sodium voltage-gated channel alpha subunit 1; minus strand), LOC102724058 (uncharacterized LOC102724058; plus strand). Cytogenetic location: 2q24.3.
Variant type: single nucleotide variant.
Coding change: c.3883T>C on transcript NM_001165963.4 (MANE Select); coding-DNA position 3883, T replaced by C.
Protein change: p.Ser1295Pro; replaces serine 1295 with proline.
Molecular consequence: missense variant. On other transcripts: non-coding transcript variant (1).
Genome position (GRCh38, 1-based): chr2:166,009,838, A>G on the plus strand (T>C on the coding strand, the complement: SCN1A is on the minus strand). VCF-style: chr2-166009838-A-G. GRCh37 (hg19) VCF-style: chr2-166866348-A-G.
Other names: c.3883T>C (NM_001165963.1); c.3799T>C, p.Ser1267Pro (NM_001165964.3, NM_001353957.2, NM_001353958.2); c.3883T>C, p.Ser1295Pro (NM_001202435.3, NM_001353948.2); c.3850T>C, p.Ser1284Pro (NM_001353949.2, NM_001353950.2, NM_001353951.2 and 2 more transcripts); c.3847T>C, p.Ser1283Pro (NM_001353954.2, NM_001353955.2); c.3796T>C, p.Ser1266Pro (NM_001353960.2); c.1441T>C, p.Ser481Pro (NM_001353961.2); short protein forms S1283P, S1295P, S1284P, S1266P, S1267P, S481P.
Identifiers: ClinVar variation 2104158 (VCV002104158.6), dbSNP rs2468495160, ClinGen allele CA349053536.

ClinVar aggregate classification (germline): Conflicting classifications of pathogenicity. Review status: criteria provided, conflicting classifications (1 of 4 stars). 3 submissions from 3 submitters: Likely pathogenic (1); Uncertain significance (2). Last evaluated 2024-12-16.

Conditions:
Early-infantile DEE. Also called: Early infantile epileptic encephalopathy; Early infantile epileptic encephalopathy with suppression bursts; Ohtahara syndrome. Identifiers: Orphanet 1934, MedGen C0393706, MONDO:0800491.

Submissions (3):

GeneDx
Classification: Uncertain significance. Last evaluated: 2024-12-16. Review status: criteria provided, single submitter. Criteria: GeneDx Variant Classification Process June 2021. Collection method: clinical testing. Allele origin: germline. Affected: yes.
Comment: Not observed at significant frequency in large population cohorts (gnomAD); In silico analysis supports that this missense variant has a deleterious effect on protein structure/function; This substitution is predicted to be within the transmembrane segment S3 of the third homologous domain; Has not been previously published as pathogenic or benign to our knowledge

Clinical Genetics Laboratory, Skane University Hospital Lund
Classification: Likely pathogenic. Last evaluated: 2024-03-19. Review status: criteria provided, single submitter. Criteria: ACMG Guidelines, 2015. Collection method: clinical testing. Allele origin: germline. Affected: yes.

Labcorp Genetics (formerly Invitae), Labcorp
Classification: Uncertain significance for Early-infantile DEE. Last evaluated: 2022-09-07. Review status: criteria provided, single submitter. Criteria: Invitae Variant Classification Sherloc (09022015). Collection method: clinical testing. Allele origin: germline.
Comment: This sequence change replaces serine, which is neutral and polar, with proline, which is neutral and non-polar, at codon 1295 of the SCN1A protein (p.Ser1295Pro). This variant is not present in population databases (gnomAD no frequency). This variant has not been reported in the literature in individuals affected with SCN1A-related conditions. Advanced modeling of protein sequence and biophysical properties (such as structural, functional, and spatial information, amino acid conservation, physicochemical variation, residue mobility, and thermodynamic stability) performed at Invitae indicates that this missense variant is expected to disrupt SCN1A protein function. In summary, the available evidence is currently insufficient to determine the role of this variant in disease. Therefore, it has been classified as a Variant of Uncertain Significance.